The following is an entry in ClinVar:

ClinVar aggregate classification (germline): Uncertain significance (1 of 4 stars; one submission).

Submission:

Labcorp Genetics (formerly Invitae), Labcorp
Classification: Uncertain significance. Last evaluated: 2022-08-15. Review status: criteria provided, single submitter. Criteria: Invitae Variant Classification Sherloc (09022015). Collection method: clinical testing. Allele origin: germline.
Comment: In summary, the available evidence is currently insufficient to determine the role of this variant in disease. Therefore, it has been classified as a Variant of Uncertain Significance. Variants that disrupt the consensus splice site are a relatively common cause of aberrant splicing (PMID: 17576681, 9536098). Algorithms developed to predict the effect of sequence changes on RNA splicing suggest that this variant is not likely to affect RNA splicing. ClinVar contains an entry for this variant (Variation ID: 1487562). This variant has not been reported in the literature in individuals affected with COL7A1-related conditions. This variant is not present in population databases (gnomAD no frequency). This sequence change falls in intron 70 of the COL7A1 gene. It does not directly change the encoded amino acid sequence of the COL7A1 protein. It affects a nucleotide within the consensus splice site.

Literature cited by the submitters: PubMed 17576681; PubMed 9536098.

NM_000094.4(COL7A1):c.5820+6C>T

Gene: COL7A1 (collagen type VII alpha 1 chain; minus strand). Cytogenetic location: 3p21.31.
Variant type: single nucleotide variant.
Coding change: c.5820+6C>T on transcript NM_000094.4 (MANE Select); 6 bases into the intron after coding-DNA position 5820, C replaced by T.
Molecular consequence: intron variant.
Genome position (GRCh38, 1-based): chr3:48,576,243, G>A on the plus strand (C>T on the coding strand, the complement: COL7A1 is on the minus strand). VCF-style: chr3-48576243-G-A. GRCh37 (hg19) VCF-style: chr3-48613676-G-A.
Identifiers: ClinVar variation 1487562 (VCV001487562.6), dbSNP rs1481011823, ClinGen allele CA2573137016.